The following is an entry in ClinVar:

NM_005476.7(GNE):c.616+269T>C

Gene: GNE (glucosamine (UDP-N-acetyl)-2-epimerase/N-acetylmannosamine kinase; minus strand). Cytogenetic location: 9p13.3.
Variant type: single nucleotide variant.
Coding change: c.616+269T>C on transcript NM_005476.7 (MANE Select); 269 bases into the intron after coding-DNA position 616, T replaced by C.
Molecular consequence: intron variant.
Genome position (GRCh38, 1-based): chr9:36,245,762, A>G on the plus strand (T>C on the coding strand, the complement: GNE is on the minus strand). VCF-style: chr9-36245762-A-G. GRCh37 (hg19) VCF-style: chr9-36245759-A-G.
Other names: c.439+269T>C (NM_001190388.2, NM_001190384.3, NM_001374798.1); c.709+269T>C (NM_001128227.3); c.616+269T>C (NM_001374797.1, NM_001190383.3).
Identifiers: ClinVar variation 668906 (VCV000668906.1), dbSNP rs7871216, ClinGen allele CA16362009.

ClinVar aggregate classification (germline): Benign (1 of 4 stars; one submission).

Allele frequency attached by ClinVar (database versions not stated): gnomAD 0.08144 and 0.08310; TOPMed 0.08318; 1000 Genomes Project 30x 0.09635; 1000 Genomes Project 0.10124.
gnomAD v4.1: 12,641 of 152,300 alleles (8.3%); highest among the groups gnomAD compares: East Asian, 15%; 595 homozygotes.

Submission:

GeneDx
Classification: Benign. Last evaluated: 2018-06-19. Review status: criteria provided, single submitter. Criteria: GeneDx Variant Classification (06012015). Collection method: clinical testing. Allele origin: germline. Affected: yes.
Comment: This variant is considered likely benign or benign based on one or more of the following criteria: it is a conservative change, it occurs at a poorly conserved position in the protein, it is predicted to be benign by multiple in silico algorithms, and/or has population frequency not consistent with disease.